The following is an entry in ClinVar:

NM_001037161.2(ACOT1):c.265C>T (p.Pro89Ser)

Genes: ACOT1 (acyl-CoA thioesterase 1; plus strand), HEATR4 (HEAT repeat containing 4; minus strand). Cytogenetic location: 14q24.3.
Variant type: single nucleotide variant.
Coding change: c.265C>T on transcript NM_001037161.2 (MANE Select); coding-DNA position 265, C replaced by T.
Protein change: p.Pro89Ser; replaces proline 89 with serine.
Molecular consequence: missense variant. On other transcripts: intron variant (2).
Genome position (GRCh38, 1-based): chr14:73,537,686, C>T. VCF-style: chr14-73537686-C-T. GRCh37 (hg19) VCF-style: chr14-74004390-C-T.
Other names: c.-72-14462G>A (NM_203309.2); c.-151-7442G>A (NM_001220484.1); short protein forms P89S.
Identifiers: ClinVar variation 2357026 (VCV002357026.26), dbSNP rs534788595, ClinGen allele CA7260347.

ClinVar aggregate classification (germline): Conflicting classifications of pathogenicity. Review status: criteria provided, conflicting classifications (1 of 4 stars). 2 submissions from 2 submitters: Uncertain significance (1); Likely benign (1). Last evaluated 2024-01-09.

Allele frequency attached by ClinVar (database versions not stated): 1000 Genomes Project 0.00040; 1000 Genomes Project 30x 0.00047; gnomAD 0.00080; ExAC 0.00099; gnomAD exomes 0.00108.
gnomAD v4.1: 1,316 of 1,248,094 alleles (0.11%); highest among the groups gnomAD compares: Admixed American, 0.15%; 369 homozygotes.

Submissions (2):

Ambry Genetics
Classification: Uncertain significance. Last evaluated: 2024-01-09. Review status: criteria provided, single submitter. Criteria: Ambry Variant Classification Scheme 2023. Collection method: clinical testing. Allele origin: germline.

CeGaT Center for Human Genetics Tuebingen
Classification: Likely benign. Last evaluated: 2023-06-01. Review status: criteria provided, single submitter. Criteria: CeGaT Center For Human Genetics Tuebingen Variant Classification Criteria Version 2. Collection method: clinical testing. Allele origin: germline. Affected: yes. Observed: 3 variant alleles.
Comment: ACOT1: BP4, BS2; HEATR4: BS2